The following is an entry in ClinVar:

ClinVar aggregate classification (germline): Uncertain significance. Review status: criteria provided, multiple submitters, no conflicts (2 of 4 stars). 5 submissions from 5 submitters: Uncertain significance (5). Last evaluated 2026-01-23.

Conditions:
Tumor predisposition syndrome 3 (TPDS3). Also called: Glioma susceptibility 9; LONG TELOMERE SYNDROME, POT1-RELATED; POT1 Tumor Predisposition; Melanoma, cutaneous malignant, susceptibility to, 10. Identifiers: Orphanet 618, MedGen C4014476, MONDO:0014368, OMIM 615848.
Hereditary cancer-predisposing syndrome. Also called: Hereditary neoplastic syndrome; Hereditary Cancer Syndrome; Neoplastic Syndromes, Hereditary; Tumor predisposition. Identifiers: Orphanet 140162, MedGen C0027672, MeSH D009386, MONDO:0015356.

Allele frequency attached by ClinVar (database versions not stated): gnomAD exomes 0.00001 and 0.00002; ExAC 0.00002; gnomAD 0.00003; TOPMed 0.00004.

Submissions (5):

Labcorp Genetics (formerly Invitae), Labcorp
Classification: Uncertain significance for Tumor predisposition syndrome 3. Last evaluated: 2026-01-23. Review status: criteria provided, single submitter. Criteria: Invitae Variant Classification Sherloc (09022015). Collection method: clinical testing. Allele origin: germline.
Comment: This sequence change replaces glutamic acid, which is acidic and polar, with lysine, which is basic and polar, at codon 481 of the POT1 protein (p.Glu481Lys). This variant is present in population databases (rs200494750, gnomAD 0.008%). This variant has not been reported in the literature in individuals affected with POT1-related conditions. ClinVar contains an entry for this variant (Variation ID: 486141). Invitae Evidence Modeling of protein sequence and biophysical properties (such as structural, functional, and spatial information, amino acid conservation, physicochemical variation, residue mobility, and thermodynamic stability) indicates that this missense variant is not expected to disrupt POT1 protein function with a negative predictive value of 80%. RNA analysis performed to evaluate the impact of this missense change on mRNA splicing indicates it does not significantly alter splicing (internal data). In summary, the available evidence is currently insufficient to determine the role of this variant in disease. Therefore, it has been classified as a Variant of Uncertain Significance.

Center for Genomic Medicine, Rigshospitalet, Copenhagen University Hospital
Classification: Uncertain significance. Last evaluated: 2025-12-29. Review status: criteria provided, single submitter. Criteria: ACMG Guidelines, 2015. Collection method: clinical testing. Allele origin: germline.

Ambry Genetics
Classification: Uncertain significance for Hereditary cancer-predisposing syndrome. Last evaluated: 2025-09-22. Review status: criteria provided, single submitter. Criteria: Ambry Variant Classification Scheme 2023. Collection method: clinical testing. Allele origin: germline.

GeneDx
Classification: Uncertain significance. Last evaluated: 2023-05-05. Review status: criteria provided, single submitter. Criteria: GeneDx Variant Classification Process June 2021. Collection method: clinical testing. Allele origin: germline. Affected: yes.
Comment: Not observed at significant frequency in large population cohorts (gnomAD); In silico analysis supports that this missense variant does not alter protein structure/function; Has not been previously published as pathogenic or benign to our knowledge

Quest Diagnostics Nichols Institute San Juan Capistrano
Classification: Uncertain significance. Last evaluated: 2022-09-09. Review status: criteria provided, single submitter. Criteria: Quest Diagnostics criteria. Collection method: clinical testing. Allele origin: unknown.
Comment: The variant has not been reported in the published literature. The frequency of this variant in the general population, 0.000014 (4/282812 chromosomes), is uninformative in assessment of its pathogenicity. Analysis of this variant using bioinformatics tools for the prediction of the effect of amino acid changes on protein structure and function yielded predictions that this variant is benign. Based on the available information, we are unable to determine the clinical significance of this variant.

NM_015450.3(POT1):c.1441G>A (p.Glu481Lys)

Gene: POT1 (protection of telomeres 1; minus strand). Cytogenetic location: 7q31.33.
Variant type: single nucleotide variant.
Coding change: c.1441G>A on transcript NM_015450.3 (MANE Select); coding-DNA position 1441, G replaced by A.
Protein change: p.Glu481Lys; replaces glutamic acid 481 with lysine.
Molecular consequence: missense variant. On other transcripts: non-coding transcript variant (3).
Genome position (GRCh38, 1-based): chr7:124,835,343, C>T on the plus strand (G>A on the coding strand, the complement: POT1 is on the minus strand). VCF-style: chr7-124835343-C-T. GRCh37 (hg19) VCF-style: chr7-124475397-C-T.
Other names: c.1048G>A, p.Glu350Lys (NM_001042594.2); short protein forms E481K, E350K.
Identifiers: ClinVar variation 486141 (VCV000486141.20), dbSNP rs200494750, ClinGen allele CA4465119.